The following is an entry in ClinVar:

ClinVar aggregate classification (germline): Uncertain significance. Review status: criteria provided, multiple submitters, no conflicts (2 of 4 stars). 2 submissions from 2 submitters: Uncertain significance (2). Last evaluated 2023-08-08.

Conditions:
Hyperkalemic periodic paralysis. Also called: Familial hyperkalemic periodic paralysis; Gamstorp disease. Identifiers: Orphanet 682, MedGen C0238357, MONDO:0008224, OMIM 170500, HP:0007215.

Submissions (2):

Labcorp Genetics (formerly Invitae), Labcorp
Classification: Uncertain significance for Hyperkalemic periodic paralysis. Last evaluated: 2023-08-08. Review status: criteria provided, single submitter. Criteria: Invitae Variant Classification Sherloc (09022015). Collection method: clinical testing. Allele origin: germline.
Comment: This sequence change replaces methionine, which is neutral and non-polar, with valine, which is neutral and non-polar, at codon 744 of the SCN4A protein (p.Met744Val). This variant is not present in population databases (gnomAD no frequency). This variant has not been reported in the literature in individuals affected with SCN4A-related conditions. ClinVar contains an entry for this variant (Variation ID: 2435711). Advanced modeling of protein sequence and biophysical properties (such as structural, functional, and spatial information, amino acid conservation, physicochemical variation, residue mobility, and thermodynamic stability) performed at Invitae indicates that this missense variant is expected to disrupt SCN4A protein function. In summary, the available evidence is currently insufficient to determine the role of this variant in disease. Therefore, it has been classified as a Variant of Uncertain Significance.

Revvity Omics, Revvity
Classification: Uncertain significance. Last evaluated: 2020-03-13. Review status: criteria provided, single submitter. Criteria: ACMG Guidelines, 2015. Collection method: clinical testing. Allele origin: germline.

NM_000334.4(SCN4A):c.2230A>G (p.Met744Val)

Genes: GH-LCR (growth hormone locus control region; plus strand), SCN4A (sodium voltage-gated channel alpha subunit 4; minus strand). Cytogenetic location: 17q23.3.
Variant type: single nucleotide variant.
Coding change: c.2230A>G on transcript NM_000334.4 (MANE Select); coding-DNA position 2230, A replaced by G.
Protein change: p.Met744Val; replaces methionine 744 with valine.
Molecular consequence: missense variant.
Genome position (GRCh38, 1-based): chr17:63,957,308, T>C on the plus strand (A>G on the coding strand, the complement: SCN4A is on the minus strand). VCF-style: chr17-63957308-T-C. GRCh37 (hg19) VCF-style: chr17-62034668-T-C.
Other names: short protein forms M744V.
Identifiers: ClinVar variation 2435711 (VCV002435711.6), dbSNP rs2509305264, ClinGen allele CA400630052.